The following is an entry in ClinVar:

ClinVar aggregate classification (germline): Uncertain significance. Review status: criteria provided, multiple submitters, no conflicts (2 of 4 stars). 2 submissions from 2 submitters: Uncertain significance (2). Last evaluated 2026-01-22.

Conditions:
Inborn genetic diseases. Identifiers: MedGen C0950123, MeSH D030342.

gnomAD v4.1: 65 of 1,613,836 alleles (0.004%); highest among the groups gnomAD compares: Non-Finnish European, 0.0054%; no homozygotes.

Submissions (2):

Labcorp Genetics (formerly Invitae), Labcorp
Classification: Uncertain significance. Last evaluated: 2026-01-22. Review status: criteria provided, single submitter. Criteria: Invitae Variant Classification Sherloc (09022015). Collection method: clinical testing. Allele origin: germline.
Comment: This sequence change replaces leucine, which is neutral and non-polar, with valine, which is neutral and non-polar, at codon 663 of the ANK1 protein (p.Leu663Val). This variant is present in population databases (rs773211248, gnomAD 0.007%). This variant has not been reported in the literature in individuals affected with ANK1-related conditions. ClinVar contains an entry for this variant (Variation ID: 3863432). Invitae Evidence Modeling of protein sequence and biophysical properties (such as structural, functional, and spatial information, amino acid conservation, physicochemical variation, residue mobility, and thermodynamic stability) indicates that this missense variant is not expected to disrupt ANK1 protein function with a negative predictive value of 80%. In summary, the available evidence is currently insufficient to determine the role of this variant in disease. Therefore, it has been classified as a Variant of Uncertain Significance.

Ambry Genetics
Classification: Uncertain significance for Inborn genetic diseases. Last evaluated: 2025-02-08. Review status: criteria provided, single submitter. Criteria: Ambry Variant Classification Scheme 2023. Collection method: clinical testing. Allele origin: germline.

NM_000037.4(ANK1):c.1987C>G (p.Leu663Val)

Gene: ANK1 (ankyrin 1; minus strand). Cytogenetic location: 8p11.21.
Variant type: single nucleotide variant.
Coding change: c.1987C>G on transcript NM_000037.4 (MANE Select); coding-DNA position 1987, C replaced by G.
Protein change: p.Leu663Val; replaces leucine 663 with valine.
Molecular consequence: missense variant.
Genome position (GRCh38, 1-based): chr8:41,708,789, G>C on the plus strand (C>G on the coding strand, the complement: ANK1 is on the minus strand). VCF-style: chr8-41708789-G-C. GRCh37 (hg19) VCF-style: chr8-41566307-G-C.
Other names: c.2086C>G, p.Leu696Val (NM_001142446.2); c.1987C>G, p.Leu663Val (NM_020475.3, NM_020476.3, NM_020477.3); short protein forms L663V, L696V.
Identifiers: ClinVar variation 3863432 (VCV003863432.2).